The following is an entry in ClinVar:

NM_001267550.2(TTN):c.102190G>A (p.Ala34064Thr)

Genes: TTN (titin; minus strand), TTN-AS1 (TTN antisense RNA 1; plus strand). Cytogenetic location: 2q31.2.
Variant type: single nucleotide variant.
Coding change: c.102190G>A on transcript NM_001267550.2 (MANE Select); coding-DNA position 102190, G replaced by A.
Protein change: p.Ala34064Thr; replaces alanine 34064 with threonine.
Molecular consequence: missense variant.
Genome position (GRCh38, 1-based): chr2:178,534,425, C>T on the plus strand (G>A on the coding strand, the complement: TTN is on the minus strand). VCF-style: chr2-178534425-C-T. GRCh37 (hg19) VCF-style: chr2-179399152-C-T.
Other names: c.94486G>A, p.Ala31496Thr (NM_133378.4); c.97267G>A, p.Ala32423Thr (NM_001256850.1); c.74995G>A, p.Ala24999Thr (NM_003319.4); c.75370G>A, p.Ala25124Thr (NM_133432.3); c.75571G>A, p.Ala25191Thr (NM_133437.4); short protein forms A34064T, A31496T, A24999T, A32423T, A25124T, A25191T.
Identifiers: ClinVar variation 47647 (VCV000047647.49), dbSNP rs200237973, ClinGen allele CA141593.

ClinVar aggregate classification (germline): Conflicting classifications of pathogenicity. Review status: criteria provided, conflicting classifications (1 of 4 stars). 17 submissions from 13 submitters: Uncertain significance (10); Benign (2); Likely benign (5). Last evaluated 2026-06-01.

Conditions:
TTN-related disorder. Also called: TTN-related condition; TTN-related disease; TTN-related disorders.
Cardiovascular phenotype. Identifiers: MedGen CN230736.
Dilated cardiomyopathy 1G (CMD1G). Identifiers: Orphanet 154, MedGen C1858763, MONDO:0011400, OMIM 604145.
Autosomal recessive limb-girdle muscular dystrophy type 2J (LGMDR10). Also called: Limb-girdle muscular dystrophy, type 2J; MUSCULAR DYSTROPHY, LIMB-GIRDLE, AUTOSOMAL RECESSIVE 10. Identifiers: Orphanet 140922, MedGen C1837342, MONDO:0012127, OMIM 608807.
Early-onset myopathy with fatal cardiomyopathy (CMYO5). Also called: Salih Myopathy; CONGENITAL MYOPATHY 5 WITH CARDIOMYOPATHY. Identifiers: Orphanet 289377, MedGen C2673677, MONDO:0012714, OMIM 611705. Disease mechanism: loss of function.
Myopathy, myofibrillar, 9, with early respiratory failure (MFM9). Also called: Hereditary myopathy with early respiratory failure; Myopathy, distal, with early respiratory failure, autosomal dominant; EDSTROM MYOPATHY; MYOPATHY, PROXIMAL, WITH EARLY RESPIRATORY MUSCLE INVOLVEMENT. Identifiers: Orphanet 178464, Orphanet 34521, MedGen C1863599, MONDO:0011362, OMIM 603689.
Tibial muscular dystrophy (TMD). Also called: Udd Distal Myopathy – Tibial Muscular Dystrophy; Tibial muscular dystrophy, tardive; UDD MYOPATHY. Identifiers: Orphanet 609, MedGen C1838244, MONDO:0010870, OMIM 600334.

Allele frequency attached by ClinVar (database versions not stated): ESP Exome Variant Server 0.00008; gnomAD exomes 0.00017 and 0.00037; ExAC 0.00021; TOPMed 0.00024; gnomAD 0.00025 and 0.00029.
gnomAD v4.1: 589 of 1,612,052 alleles (0.037%); highest among the groups gnomAD compares: Non-Finnish European, 0.045%; 1 homozygote.

Submissions (17):

CeGaT Center for Human Genetics Tuebingen
Classification: Likely benign. Last evaluated: 2026-06-01. Review status: criteria provided, single submitter. Criteria: CeGaT Center For Human Genetics Tuebingen Variant Classification Criteria Version 2. Collection method: clinical testing. Allele origin: germline. Affected: yes. Observed: 5 variant alleles.
Comment: TTN: BS2

PreventionGenetics, part of Exact Sciences
Classification: Likely benign for TTN-related condition. Last evaluated: 2025-09-17. Review status: criteria provided, single submitter. Criteria: ACMG Guidelines, 2015. Collection method: clinical testing. Allele origin: germline.
Comment: This variant is classified as likely benign based on ACMG/AMP sequence variant interpretation guidelines (Richards et al. 2015 PMID: 25741868, with internal and published modifications).

Blueprint Genetics
Classification: Likely benign. Last evaluated: 2024-10-30. Review status: criteria provided, single submitter. Criteria: ACMG Guidelines, 2015. Collection method: clinical testing. Allele origin: germline.

Mayo Clinic Laboratories, Mayo Clinic
Classification: Uncertain significance. Last evaluated: 2022-10-26. Review status: criteria provided, single submitter. Criteria: ACMG Guidelines, 2015. Collection method: clinical testing. Allele origin: germline. Observed: 2 variant alleles.

Revvity Omics, Revvity
Classification: Uncertain significance. Last evaluated: 2022-09-14. Review status: criteria provided, single submitter. Criteria: ACMG Guidelines, 2015. Collection method: clinical testing. Allele origin: germline.

GeneDx
Classification: Likely benign. Last evaluated: 2020-11-23. Review status: criteria provided, single submitter. Criteria: GeneDx Variant Classification Process June 2021. Collection method: clinical testing. Allele origin: germline. Affected: yes.
Comment: This variant is associated with the following publications: (PMID: 23861362)

Illumina Laboratory Services, Illumina
Classification: Benign for Myopathy, myofibrillar, 9, with early respiratory failure. Last evaluated: 2018-01-13. Review status: criteria provided, single submitter. Criteria: ICSL Variant Classification Criteria 13 December 2019. Collection method: clinical testing. Allele origin: germline.
Comment: This variant was observed in the ICSL laboratory as part of a predisposition screen in an ostensibly healthy population. It had not been previously curated by ICSL or reported in the Human Gene Mutation Database (HGMD: prior to June 1st, 2018), and was therefore a candidate for classification through an automated scoring system. Utilizing variant allele frequency, disease prevalence and penetrance estimates, and inheritance mode, an automated score was calculated to assess if this variant is too frequent to cause the disease. Based on the score and internal cut-off values, a variant classified as benign is not then subjected to further curation. The score for this variant resulted in a classification of benign for this disease.

Illumina Laboratory Services, Illumina
Classification: Uncertain significance for Dilated cardiomyopathy 1G. Last evaluated: 2018-01-13. Review status: criteria provided, single submitter. Criteria: ICSL Variant Classification Criteria 13 December 2019. Collection method: clinical testing. Allele origin: germline.

Illumina Laboratory Services, Illumina
Classification: Uncertain significance for Autosomal recessive limb-girdle muscular dystrophy type 2J. Last evaluated: 2018-01-13. Review status: criteria provided, single submitter. Criteria: ICSL Variant Classification Criteria 13 December 2019. Collection method: clinical testing. Allele origin: germline.

Illumina Laboratory Services, Illumina
Classification: Benign for Tibial muscular dystrophy. Last evaluated: 2018-01-13. Review status: criteria provided, single submitter. Criteria: ICSL Variant Classification Criteria 13 December 2019. Collection method: clinical testing. Allele origin: germline.
Comment: the same text as in the submission from Illumina Laboratory Services, Illumina above.

Illumina Laboratory Services, Illumina
Classification: Uncertain significance for Early-onset myopathy with fatal cardiomyopathy. Last evaluated: 2018-01-13. Review status: criteria provided, single submitter. Criteria: ICSL Variant Classification Criteria 13 December 2019. Collection method: clinical testing. Allele origin: germline.

Labcorp Genetics (formerly Invitae), Labcorp
Classification: Uncertain significance for Dilated cardiomyopathy 1G; Autosomal recessive limb-girdle muscular dystrophy type 2J. Last evaluated: 2017-11-03. Review status: criteria provided, single submitter. Criteria: Invitae Variant Classification Sherloc (09022015). Collection method: clinical testing. Allele origin: germline.

Eurofins Ntd Llc (ga)
Classification: Uncertain significance. Last evaluated: 2015-05-13. Review status: criteria provided, single submitter. Criteria: EGL Classification Definitions 2015. Collection method: clinical testing. Allele origin: germline. Observed: 2 variant alleles, 2 heterozygotes.

Laboratory for Molecular Medicine, Mass General Brigham Personalized Medicine
Classification: Uncertain significance. Last evaluated: 2015-02-18. Review status: criteria provided, single submitter. Criteria: LMM Criteria. Collection method: clinical testing. Allele origin: germline. Observed: 6 variant alleles.
Comment: The p.Ala31496Thr variant in TTN has been identified by our laboratory in two in dividuals: an infant with DCM and adolescent with HCM. In addition, this variant has been identified in 22/66708 European chromosomes by the Exome Aggregation C onsortium (ExAC; dbSNP rs200237973). Computation al prediction tools and conservation analysis do not provide strong support for or against an impact to the protein. In summary, the clinical significance of th e p.Ala31496Thr variant is uncertain.

Biesecker Lab/Clinical Genomics Section, National Institutes of Health
Classification: Likely benign. Last evaluated: 2013-06-24. Review status: criteria provided, single submitter. Criteria: Ng et al. (Circ Cardiovasc Genet. 2013). Collection method: research. Allele origin: unknown. Observed: 2 variant alleles. Study: ClinSeq.
Comment: The study set was not selected for affection status in relation to any cancer. Pathogenicity categories were based on literature curation. See Pubmed ID:23861362 for details.

Medical sequencing

Ambry Genetics
Classification: Uncertain significance for Cardiovascular phenotype. Last evaluated: 2013-03-06. Review status: criteria provided, single submitter. Criteria: Ambry Autosomal Dominant and X-Linked criteria (10/2015). Collection method: clinical testing. Allele origin: germline. Observed: 1 variant allele.
Comment: There is insufficient or conflicting evidence for classification of this alteration.

Neuberg Centre For Genomic Medicine, NCGM
Classification: Uncertain significance for Dilated cardiomyopathy 1G. Review status: criteria provided, single submitter. Criteria: ACMG Guidelines, 2015. Collection method: clinical testing. Allele origin: germline. Inheritance: Autosomal dominant inheritance. Affected: yes.